The following is an entry in ClinVar:

ClinVar aggregate classification (germline): Pathogenic/Likely pathogenic. Review status: criteria provided, multiple submitters, no conflicts (2 of 4 stars). 4 submissions from 4 submitters: Pathogenic (2); Likely pathogenic (1). 1 of the submissions does not count toward it. Last evaluated 2024-10-30.

Conditions:
Intellectual developmental disorder, X-linked 93. Also called: Intellectual disability, X-linked 93; MENTAL RETARDATION, X-LINKED, WITH MACROCEPHALY. Identifiers: MedGen C1970841, MONDO:0010393, OMIM 300659.

Submissions (4):

Victorian Clinical Genetics Services, Murdoch Childrens Research Institute
Classification: Pathogenic for Intellectual developmental disorder, X-linked 93. Last evaluated: 2024-10-30. Review status: criteria provided, single submitter. Criteria: ACMG Guidelines, 2015. Collection method: clinical testing. Allele origin: germline. Affected: yes.
Comment: This variant is classified as Pathogenic. Evidence in support of pathogenic classification: Variant is predicted to cause nonsense-mediated decay (NMD) and loss of protein (premature termination codon is located at least 54 nucleotides upstream of the final exon-exon junction); Variant is absent from gnomAD (v2, v3 and v4); This variant has limited previous evidence of pathogenicity in unrelated individual(s). This variant has been classified as pathogenic or likely pathogenic by clinical laboratories in ClinVar; Other NMD-predicted variant(s) comparable to the one identified in this case have very strong previous evidence for pathogenicity (DECIPHER). Additional information: This variant is hemizygous; This gene is associated with X-linked disease. Affected heterozygous females have been reported (PMID: 17668385, 36514184, 36414205); No published segregation evidence has been identified for this variant; No published functional evidence has been identified for this variant; Loss of function is a known mechanism of disease in this gene and is associated with intellectual developmental disorder, X-linked 93 (MIM#300659).

GeneDx
Classification: Pathogenic. Last evaluated: 2024-02-28. Review status: criteria provided, single submitter. Criteria: GeneDx Variant Classification Process June 2021. Collection method: clinical testing. Allele origin: germline. Affected: yes.
Comment: Nonsense variant predicted to result in protein truncation or nonsense mediated decay in a gene for which loss of function is a known mechanism of disease; Not observed in large population cohorts (gnomAD); This variant is associated with the following publications: (PMID: 35266334)

Center for Pediatric Genomic Medicine, Children's Mercy Hospital and Clinics
Classification: Likely pathogenic. Last evaluated: 2016-04-22. Review status: criteria provided, single submitter. Criteria: ACMG Guidelines, 2015. Collection method: clinical testing. Allele origin: germline.

Medical Genetic Institute of Henan Province, Henan Provincial People’s Hospital
Classification: Pathogenic for Mental retardation, X-linked 93. Review status: no assertion criteria provided. Collection method: case-control. Allele origin: de novo. Not counted in ClinVar's aggregate classification.

Literature cited by the submitters: PubMed 36514184 (cited by Victorian Clinical Genetics Services, Murdoch Childrens Research Institute); PubMed 36414205 (cited by Victorian Clinical Genetics Services, Murdoch Childrens Research Institute); PubMed 17668385 (cited by Victorian Clinical Genetics Services, Murdoch Childrens Research Institute).

NM_153252.5(BRWD3):c.3718C>T (p.Arg1240Ter)

Gene: BRWD3 (bromodomain and WD repeat domain containing 3; minus strand). Cytogenetic location: Xq21.1.
Variant type: single nucleotide variant.
Coding change: c.3718C>T on transcript NM_153252.5 (MANE Select); coding-DNA position 3718, C replaced by T.
Protein change: p.Arg1240Ter; replaces arginine 1240 with a stop codon.
Molecular consequence: nonsense.
Genome position (GRCh38, 1-based): chrX:80,689,977, G>A on the plus strand (C>T on the coding strand, the complement: BRWD3 is on the minus strand). VCF-style: chrX-80689977-G-A. GRCh37 (hg19) VCF-style: chrX-79945476-G-A.
Other names: c.3718C>T (NM_153252.4); short protein forms R1240*.
Identifiers: ClinVar variation 235505 (VCV000235505.6), dbSNP rs878853055, ClinGen allele CA10581337.
Genomic context (GRCh38, chrX:80,689,977, plus strand): 5'-TTTTTAAAAACCTTAAGTTAGACTCTCTGGAAGCTAAAACTGCTTCTTACCCAATAAATC[G>A]AAGTAAGACATCAGTTACAATTTTAGCTGCTTTAACTATAGGACTGTCTGGCTCATTGAA-3'